The following is an entry in ClinVar:

ClinVar aggregate classification (germline): Uncertain significance (1 of 4 stars; one submission).

Allele frequency attached by ClinVar (database versions not stated): ExAC 0.00001.

Submission:

Labcorp Genetics (formerly Invitae), Labcorp
Classification: Uncertain significance. Last evaluated: 2026-01-12. Review status: criteria provided, single submitter. Criteria: Invitae Variant Classification Sherloc (09022015). Collection method: clinical testing. Allele origin: germline.
Comment: This sequence change replaces valine, which is neutral and non-polar, with isoleucine, which is neutral and non-polar, at codon 407 of the CHUK protein (p.Val407Ile). This variant is present in population databases (rs771846734, gnomAD 0.003%). This variant has not been reported in the literature in individuals affected with CHUK-related conditions. ClinVar contains an entry for this variant (Variation ID: 2180322). An algorithm developed to predict the effect of missense changes on protein structure and function (PolyPhen-2) suggests that this variant is likely to be disruptive. In summary, the available evidence is currently insufficient to determine the role of this variant in disease. Therefore, it has been classified as a Variant of Uncertain Significance.

NM_001278.5(CHUK):c.1219G>A (p.Val407Ile)

Gene: CHUK (component of inhibitor of nuclear factor kappa B kinase complex; minus strand). Cytogenetic location: 10q24.31.
Variant type: single nucleotide variant.
Coding change: c.1219G>A on transcript NM_001278.5 (MANE Select); coding-DNA position 1219, G replaced by A.
Protein change: p.Val407Ile; replaces valine 407 with isoleucine.
Molecular consequence: missense variant.
Genome position (GRCh38, 1-based): chr10:100,207,242, C>T on the plus strand (G>A on the coding strand, the complement: CHUK is on the minus strand). VCF-style: chr10-100207242-C-T. GRCh37 (hg19) VCF-style: chr10-101966999-C-T.
Other names: c.1219G>A, p.Val407Ile (NM_001320928.2); short protein forms V407I.
Identifiers: ClinVar variation 2180322 (VCV002180322.2), dbSNP rs771846734, ClinGen allele CA5646505.